The following is an entry in ClinVar:

ClinVar aggregate classification (germline): Likely pathogenic (1 of 4 stars; one submission).

Conditions:
Chromosome 2q32-q33 deletion syndrome (GLASS). Also called: 2q33.1 deletion syndrome; Glass syndrome. Identifiers: Orphanet 251019, MedGen C2676739, MONDO:0012864, OMIM 612313.

Submission:

Labcorp Genetics (formerly Invitae), Labcorp
Classification: Likely pathogenic for Chromosome 2q32-q33 deletion syndrome. Last evaluated: 2020-01-28. Review status: criteria provided, single submitter. Criteria: Invitae Variant Classification Sherloc (09022015). Collection method: clinical testing. Allele origin: germline.
Comment: This variant results in a copy number gain of the genomic region encompassing exon 3 of the SATB2 gene, which includes the initiator codon. The 5' end of this event is unknown as it extends beyond the assayed region for this gene and therefore may encompass additional genes. The 3' boundary is likely confined to intron 3 of the SATB2 gene. As the precise location of this event is unknown, it may be in tandem or it may be located elsewhere in the genome. A similar gain of exon 3 has been observed in individual(s) with SATB2-related conditions (PMID: 25118029). In at least one individual the variant was observed to be de novo. In summary, the currently available evidence indicates that the variant is pathogenic, but additional data are needed to prove that conclusively. Therefore, this variant has been classified as Likely Pathogenic.

Literature cited by the submitters: PubMed 25118029.

NC_000002.11:g.(?_200320572)_(200320780_?)dup

Gene: SATB2 (SATB homeobox 2; minus strand). Cytogenetic location: 2q33.1.
Variant type: Duplication.
Identifiers: ClinVar variation 1066449 (VCV001066449.1).